The following is an entry in ClinVar:

ClinVar aggregate classification (germline): Pathogenic/Likely pathogenic. Review status: criteria provided, multiple submitters, no conflicts (2 of 4 stars). 4 submissions from 4 submitters: Pathogenic (3); Likely pathogenic (1). Last evaluated 2024-07-30.

Conditions:
Familial cancer of breast. Also called: BREAST CANCER, FAMILIAL; hereditary breast carcinoma; Hereditary breast cancer. Identifiers: Orphanet 227535, MedGen C0346153, MONDO:0016419, OMIM 114480. Disease mechanism: loss of function.
Fanconi anemia complementation group N. Also called: PALB2-Related Fanconi Anemia. Identifiers: Orphanet 84, MedGen C1835817, MONDO:0012565, OMIM 610832. Disease mechanism: loss of function.
Pancreatic cancer, susceptibility to, 3. Identifiers: Orphanet 1333, MedGen C3150547, MONDO:0013236, OMIM 613348.

Submissions (4):

Labcorp Genetics (formerly Invitae), Labcorp
Classification: Pathogenic for Familial cancer of breast. Last evaluated: 2024-07-30. Review status: criteria provided, single submitter. Criteria: Invitae Variant Classification Sherloc (09022015). Collection method: clinical testing. Allele origin: germline.
Comment: This sequence change creates a premature translational stop signal (p.Pro811Thrfs*3) in the PALB2 gene. It is expected to result in an absent or disrupted protein product. Loss-of-function variants in PALB2 are known to be pathogenic (PMID: 17200668, 17200671, 17200672, 24136930, 25099575). This variant is not present in population databases (gnomAD no frequency). This variant has not been reported in the literature in individuals affected with PALB2-related conditions. ClinVar contains an entry for this variant (Variation ID: 530189). For these reasons, this variant has been classified as Pathogenic.

Myriad Genetics, Inc.
Classification: Pathogenic for Familial cancer of breast. Last evaluated: 2023-09-12. Review status: criteria provided, single submitter. Criteria: Myriad Autosomal Dominant, Autosomal Recessive and X-Linked Classification Criteria (2023). Collection method: clinical testing. Allele origin: unknown.
Comment: This variant is considered pathogenic. This variant creates a frameshift predicted to result in premature protein truncation.

Fulgent Genetics
Classification: Likely pathogenic for Familial cancer of breast; Fanconi anemia complementation group N; Pancreatic cancer, susceptibility to, 3. Last evaluated: 2022-04-26. Review status: criteria provided, single submitter. Criteria: ACMG Guidelines, 2015. Collection method: clinical testing. Allele origin: unknown.

GeneDx
Classification: Pathogenic. Last evaluated: 2021-11-16. Review status: criteria provided, single submitter. Criteria: GeneDx Variant Classification Process June 2021. Collection method: clinical testing. Allele origin: germline. Affected: yes.
Comment: Frameshift variant predicted to result in protein truncation or nonsense mediated decay in a gene for which loss-of-function is a known mechanism of disease; Not observed at significant frequency in large population cohorts (Lek 2016); Has not been previously published as pathogenic or benign to our knowledge

Literature cited by the submitters: PubMed 17200668 (cited by Labcorp Genetics (formerly Invitae), Labcorp); PubMed 17200671 (cited by Labcorp Genetics (formerly Invitae), Labcorp); PubMed 17200672 (cited by Labcorp Genetics (formerly Invitae), Labcorp); PubMed 24136930 (cited by Labcorp Genetics (formerly Invitae), Labcorp); PubMed 25099575 (cited by Labcorp Genetics (formerly Invitae), Labcorp).

NM_024675.4(PALB2):c.2430_2431del (p.Pro811fs)

Gene: PALB2 (partner and localizer of BRCA2; minus strand). Cytogenetic location: 16p12.2.
Variant type: Deletion.
Coding change: c.2430_2431del on transcript NM_024675.4 (MANE Select); coding-DNA positions 2430 to 2431, 2 bases deleted (TC; older notation c.2430_2431delTC).
Protein change: p.Pro811fs; shifts the reading frame from proline 811.
Molecular consequence: frameshift variant.
Genome position (GRCh38, 1-based): chr16:23,629,723-23,629,724, GA deleted on the plus strand (TC on the coding strand, the reverse complement: PALB2 is on the minus strand); deleting any 2 consecutive bases within chr16:23,629,723-23,629,725 gives the same sequence; the c. name uses the placement nearest the transcript's 3' end. VCF-style (leftmost placement, unchanged base first): chr16-23629722-GGA-G. GRCh37 (hg19) VCF-style: chr16-23641043-GGA-G.
Other names: c.2430_2431delTC (NM_024675.3); short protein forms P811fs.
Identifiers: ClinVar variation 530189 (VCV000530189.12), dbSNP rs1555460334, ClinGen allele CA658798576.